The following is an entry in ClinVar:

ClinVar aggregate classification (germline): Likely benign. Review status: criteria provided, multiple submitters, no conflicts (2 of 4 stars). 4 submissions from 4 submitters: Likely benign (4). Last evaluated 2026-05-12.

Conditions:
Hypogonadotropic hypogonadism 5 with or without anosmia (KAL5). Also called: HYPOGONADOTROPIC HYPOGONADISM 5 WITH ANOSMIA; HYPOGONADOTROPHIC HYPOGONADISM 5 WITHOUT ANOSMIA; CHD7-Related GnRH Deficiency (Kallmann Syndrome 5). Identifiers: Orphanet 478, MedGen C3552553, MONDO:0012880, OMIM 612370. Disease mechanism: loss of function.
Inborn genetic diseases. Identifiers: MedGen C0950123, MeSH D030342.
CHD7-related disorder. Also called: CHD7-related condition.
CHARGE syndrome (CHARGE). Also called: CHARGE ASSOCIATION--COLOBOMA, HEART ANOMALY, CHOANAL ATRESIA, RETARDATION, GENITAL AND EAR ANOMALIES; Coloboma, heart anomaly, choanal atresia, retardation, genital and ear anomalies; CHARGE association; Hall-Hittner syndrome; Hittner Hirsch Kreh syndrome. Identifiers: Orphanet 138, MedGen C0265354, MONDO:0008965.

Allele frequency attached by ClinVar (database versions not stated): TOPMed 0.00002; 1000 Genomes Project 30x 0.00047; 1000 Genomes Project 0.00060.
gnomAD v4.1: 152 of 1,587,014 alleles (0.0096%); highest among the groups gnomAD compares: East Asian, 0.34%; 1 homozygote.

Submissions (5):

PreventionGenetics, part of Exact Sciences
Classification: Likely benign for CHD7-related condition. Last evaluated: 2026-05-12. Review status: criteria provided, single submitter. Criteria: ACMG Guidelines, 2015. Collection method: clinical testing. Allele origin: germline.
Comment: This variant is classified as likely benign based on ACMG/AMP sequence variant interpretation guidelines (Richards et al. 2015 PMID: 25741868, with internal and published modifications).

Labcorp Genetics (formerly Invitae), Labcorp
Classification: Likely benign for CHARGE syndrome. Last evaluated: 2025-04-27. Review status: criteria provided, single submitter. Criteria: Invitae Variant Classification Sherloc (09022015). Collection method: clinical testing. Allele origin: germline.

Ambry Genetics
Classification: Likely benign for Inborn genetic diseases. Last evaluated: 2025-03-13. Review status: criteria provided, single submitter. Criteria: Ambry Variant Classification Scheme 2023. Collection method: clinical testing. Allele origin: germline.

Illumina Laboratory Services, Illumina
Classification: Likely benign for Kallmann Syndrome 5. Last evaluated: 2018-01-13. Review status: criteria provided, single submitter. Criteria: ICSL Variant Classification Criteria 13 December 2019. Collection method: clinical testing. Allele origin: germline.
Comment: This variant was observed in the ICSL laboratory as part of a predisposition screen in an ostensibly healthy population. It had not been previously curated by ICSL or reported in the Human Gene Mutation Database (HGMD: prior to June 1st, 2018), and was therefore a candidate for classification through an automated scoring system. Utilizing variant allele frequency, disease prevalence and penetrance estimates, and inheritance mode, an automated score was calculated to assess if this variant is too frequent to cause the disease. Based on the score and internal cut-off values, a variant classified as likely benign is not then subjected to further curation. The score for this variant resulted in a classification of likely benign for this disease.

Dr. Peter K. Rogan Lab, Western University
No classification provided (evidence only). Condition: Hepatocellular carcinoma. Review status: no classification provided. Collection method: in vitro. Allele origin: not applicable. Functional consequence: retained intron. Not counted in ClinVar's aggregate classification.

NM_017780.4(CHD7):c.4851T>G (p.Gly1617=)

Gene: CHD7 (chromodomain helicase DNA binding protein 7; plus strand). Cytogenetic location: 8q12.2.
Variant type: single nucleotide variant.
Coding change: c.4851T>G on transcript NM_017780.4 (MANE Select); coding-DNA position 4851, T replaced by G.
Protein change: p.Gly1617=; no amino-acid change (glycine 1617 retained).
Molecular consequence: synonymous variant. On other transcripts: intron variant (1).
Genome position (GRCh38, 1-based): chr8:60,844,864, T>G. VCF-style: chr8-60844864-T-G. GRCh37 (hg19) VCF-style: chr8-61757423-T-G.
Other names: c.1717-17365T>G (NM_001316690.1).
Identifiers: ClinVar variation 363463 (VCV000363463.16), dbSNP rs181927766, ClinGen allele CA4760220.